The following is an entry in ClinVar:

NM_000288.4(PEX7):c.278A>G (p.Gln93Arg)

Gene: PEX7 (peroxisomal biogenesis factor 7; plus strand). Cytogenetic location: 6q23.3.
Variant type: single nucleotide variant.
Coding change: c.278A>G on transcript NM_000288.4 (MANE Select); coding-DNA position 278, A replaced by G.
Protein change: p.Gln93Arg; replaces glutamine 93 with arginine.
Molecular consequence: missense variant.
Genome position (GRCh38, 1-based): chr6:136,826,408, A>G. VCF-style: chr6-136826408-A-G. GRCh37 (hg19) VCF-style: chr6-137147546-A-G.
Other names: c.164A>G, p.Gln55Arg (NM_001410945.1); short protein forms Q55R, Q93R.
Identifiers: ClinVar variation 1714171 (VCV001714171.5), dbSNP rs2548072107, ClinGen allele CA365855907.

ClinVar aggregate classification (germline): Uncertain significance (1 of 4 stars; one submission).

Conditions:
Peroxisome biogenesis disorder 9B. Also called: PEX7-Related Refsum Disease; PEROXISOME BIOGENESIS DISORDER, PEX7-RELATED, ATYPICAL; Refsum disease, adult, 2. Identifiers: Orphanet 773, MedGen C2749346, MONDO:0013945, OMIM 614879.

Submission:

Labcorp Genetics (formerly Invitae), Labcorp
Classification: Uncertain significance for Peroxisome biogenesis disorder 9B. Last evaluated: 2022-07-15. Review status: criteria provided, single submitter. Criteria: Invitae Variant Classification Sherloc (09022015). Collection method: clinical testing. Allele origin: germline.
Comment: In summary, the available evidence is currently insufficient to determine the role of this variant in disease. Therefore, it has been classified as a Variant of Uncertain Significance. This sequence change replaces glutamine, which is neutral and polar, with arginine, which is basic and polar, at codon 93 of the PEX7 protein (p.Gln93Arg). This variant is not present in population databases (gnomAD no frequency). This variant has not been reported in the literature in individuals affected with PEX7-related conditions. Algorithms developed to predict the effect of missense changes on protein structure and function (SIFT, PolyPhen-2, Align-GVGD) all suggest that this variant is likely to be tolerated.